The following is an entry in ClinVar:

ClinVar aggregate classification (germline): Likely pathogenic (1 of 4 stars; one submission).

Conditions:
Dyskeratosis congenita, autosomal recessive 5 (DKCB5). Identifiers: MedGen C3554656, MONDO:0014076, OMIM 615190.
Pulmonary fibrosis and/or bone marrow failure, Telomere-related, 3. Also called: PULMONARY FIBROSIS AND/OR BONE MARROW FAILURE SYNDROME, TELOMERE-RELATED, 3. Identifiers: Orphanet 2032, MedGen C4225346, MONDO:0014613, OMIM 616373.

Submission:

Labcorp Genetics (formerly Invitae), Labcorp
Classification: Likely pathogenic for Dyskeratosis congenita, autosomal recessive 5; Pulmonary fibrosis and/or bone marrow failure, Telomere-related, 3. Last evaluated: 2022-12-08. Review status: criteria provided, single submitter. Criteria: Invitae Variant Classification Sherloc (09022015). Collection method: clinical testing. Allele origin: germline.
Comment: This sequence change affects a donor splice site in intron 14 of the RTEL1 gene. It is expected to disrupt RNA splicing. Variants that disrupt the donor or acceptor splice site typically lead to a loss of protein function (PMID: 16199547), and loss-of-function variants in RTEL1 are known to be pathogenic (PMID: 23453664, 23959892, 25607374). ClinVar contains an entry for this variant (Variation ID: 1066573). This variant has not been reported in the literature in individuals affected with RTEL1-related conditions. This variant is not present in population databases (gnomAD no frequency). In summary, the currently available evidence indicates that the variant is pathogenic, but additional data are needed to prove that conclusively. Therefore, this variant has been classified as Likely Pathogenic. Algorithms developed to predict the effect of sequence changes on RNA splicing suggest that this variant may disrupt the consensus splice site.

Literature cited by the submitters: PubMed 16199547; PubMed 23453664; PubMed 23959892; PubMed 25607374.

NM_001283009.2(RTEL1):c.1191+1G>A

Genes: RTEL1 (regulator of telomere elongation helicase 1; plus strand), RTEL1-TNFRSF6B (RTEL1-TNFRSF6B readthrough (NMD candidate); plus strand). Cytogenetic location: 20q13.33.
Variant type: single nucleotide variant.
Coding change: c.1191+1G>A on transcript NM_001283009.2 (MANE Select); the canonical splice donor site of the intron after coding-DNA position 1191, G replaced by A.
Molecular consequence: splice donor variant.
Genome position (GRCh38, 1-based): chr20:63,680,720, G>A. VCF-style: chr20-63680720-G-A. GRCh37 (hg19) VCF-style: chr20-62312073-G-A.
Other names: c.522+1G>A (NM_001283010.1); c.1263+1G>A (NM_032957.5); c.1191+1G>A (NM_016434.4).
Identifiers: ClinVar variation 1066573 (VCV001066573.7), dbSNP rs2090461817, ClinGen allele CA409674695.
Genomic context (GRCh38, chr20:63,680,720, plus strand): 5'-CCAGGTGCTGGAGTGTTCACCAACACGGCCGGACTGCAGAAGCTGGCGGACATTATCCAG[G>A]TGGGGCCTGCTCCTCTGTGGCATCTCCTTCCCTGATGGAAGCCGGGCGGGTGCCTTCTCC-3'